The following is an entry in ClinVar:

NM_201384.3(PLEC):c.1890G>A (p.Met630Ile)

Gene: PLEC (plectin; minus strand). Cytogenetic location: 8q24.3.
Variant type: single nucleotide variant.
Coding change: c.1890G>A on transcript NM_201384.3 (MANE Select); coding-DNA position 1890, G replaced by A.
Protein change: p.Met630Ile; replaces methionine 630 with isoleucine.
Molecular consequence: missense variant.
Genome position (GRCh38, 1-based): chr8:143,932,487, C>T on the plus strand (G>A on the coding strand, the complement: PLEC is on the minus strand). VCF-style: chr8-143932487-C-T. GRCh37 (hg19) VCF-style: chr8-145006655-C-T.
Other names: c.1971G>A, p.Met657Ile (NM_000445.5); c.1848G>A, p.Met616Ile (NM_201378.4); c.1824G>A, p.Met608Ile (NM_201379.3); c.2301G>A, p.Met767Ile (NM_201380.4); c.1794G>A, p.Met598Ile (NM_201381.3); c.1890G>A, p.Met630Ile (NM_201382.4); c.1902G>A, p.Met634Ile (NM_201383.3); short protein forms M598I, M608I, M616I, M630I, M634I, M657I, M767I.
Identifiers: ClinVar variation 1027193 (VCV001027193.5), dbSNP rs782067250, ClinGen allele CA4927801.

ClinVar aggregate classification (germline): Uncertain significance (1 of 4 stars; one submission).

Conditions:
Epidermolysis bullosa simplex with nail dystrophy (EBS5D). Identifiers: MedGen C4225309, MONDO:0014661, OMIM 616487.
Epidermolysis bullosa simplex 5B, with muscular dystrophy (EBS5B). Also called: EPIDERMOLYSIS BULLOSA SIMPLEX AND LIMB-GIRDLE MUSCULAR DYSTROPHY; Epidermolysis bullosa simplex with muscular dystrophy. Identifiers: Orphanet 257, MedGen C2931072, MONDO:0009181, OMIM 226670.
Epidermolysis bullosa simplex, Ogna type (EBS5A). Also called: Pidermolysis bullosa simplex 5A, Ogna type; EPIDERMOLYSIS BULLOSA SIMPLEX 5A, OGNA TYPE. Identifiers: Orphanet 79401, MedGen C0432317, MONDO:0007555, OMIM 131950.
Epidermolysis bullosa simplex 5C, with pyloric atresia (EBS5C). Also called: PLEC-Related Epidermolysis Bullosa with Pyloric Atresia; Epidermolysis bullosa simplex with pyloric atresia; PLEC1-Related Epidermolysis Bullosa with Pyloric Atresia. Identifiers: Orphanet 158684, MedGen C2677349, MONDO:0012807, OMIM 612138.
Autosomal recessive limb-girdle muscular dystrophy type 2Q (LGMDR17). Also called: MUSCULAR DYSTROPHY, LIMB-GIRDLE, AUTOSOMAL RECESSIVE 17. Identifiers: Orphanet 254361, MedGen C3150989, MONDO:0013390, OMIM 613723.

Allele frequency attached by ClinVar (database versions not stated): gnomAD exomes below 0.00001; ExAC 0.00001; gnomAD 0.00001.

Submission:

Labcorp Genetics (formerly Invitae), Labcorp
Classification: Uncertain significance for Autosomal recessive limb-girdle muscular dystrophy type 2Q; Epidermolysis bullosa simplex, Ogna type; Epidermolysis bullosa simplex with nail dystrophy; Epidermolysis bullosa simplex 5C, with pyloric atresia; Epidermolysis bullosa simplex 5B, with muscular dystrophy. Last evaluated: 2020-03-26. Review status: criteria provided, single submitter. Criteria: Invitae Variant Classification Sherloc (09022015). Collection method: clinical testing. Allele origin: germline.
Comment: This sequence change replaces methionine with isoleucine at codon 657 of the PLEC protein (p.Met657Ile). The methionine residue is highly conserved and there is a small physicochemical difference between methionine and isoleucine. This variant is present in population databases (rs782067250, ExAC 0.01%). This variant has not been reported in the literature in individuals with PLEC-related conditions. Algorithms developed to predict the effect of missense changes on protein structure and function are either unavailable or do not agree on the potential impact of this missense change (SIFT: "Deleterious"; PolyPhen-2: "Not Available"; Align-GVGD: "Class C0"). In summary, the available evidence is currently insufficient to determine the role of this variant in disease. Therefore, it has been classified as a Variant of Uncertain Significance.